The following is an entry in ClinVar:

NM_145331.3(MAP3K7):c.168A>C (p.Arg56Ser)

Gene: MAP3K7 (mitogen-activated protein kinase kinase kinase 7; minus strand). Cytogenetic location: 6q15.
Variant type: single nucleotide variant.
Coding change: c.168A>C on transcript NM_145331.3 (MANE Select); coding-DNA position 168, A replaced by C.
Protein change: p.Arg56Ser; replaces arginine 56 with serine.
Molecular consequence: missense variant.
Genome position (GRCh38, 1-based): chr6:90,571,760, T>G on the plus strand (A>C on the coding strand, the complement: MAP3K7 is on the minus strand). VCF-style: chr6-90571760-T-G. GRCh37 (hg19) VCF-style: chr6-91281479-T-G.
Other names: c.168A>C, p.Arg56Ser (NM_003188.4, NM_145332.3, NM_145333.3); short protein forms R56S.
Identifiers: ClinVar variation 3628936 (VCV003628936.2).
Genomic context (GRCh38, chr6:90,571,760, plus strand): 5'-TACAATAAACGCTTTCCTCTCAGATTCACTTTCTATTTGTTTAATAGCAACATCTTTTGC[T>G]CTCCACTTAGCTTTGCAAACAACTCCAAAGGCTCCTCTTCCAACAACCTGAGTTAAACAA-3'
Protein context (NP_663304.1, residues 46-66): AFGVVCKAKW[Arg56Ser]AKDVAIKQIE

ClinVar aggregate classification (germline): Uncertain significance (1 of 4 stars; one submission).

gnomAD v4.1: 3 of 1,607,040 alleles (0.00019%); highest among the groups gnomAD compares: Admixed American, 0.0034%; no homozygotes.

Submission:

Labcorp Genetics (formerly Invitae), Labcorp
Classification: Uncertain significance. Last evaluated: 2024-12-18. Review status: criteria provided, single submitter. Criteria: Invitae Variant Classification Sherloc (09022015). Collection method: clinical testing. Allele origin: germline.
Comment: This sequence change replaces arginine, which is basic and polar, with serine, which is neutral and polar, at codon 56 of the MAP3K7 protein (p.Arg56Ser). This variant is present in population databases (rs751751419, gnomAD 0.006%). This variant has not been reported in the literature in individuals affected with MAP3K7-related conditions. An algorithm developed to predict the effect of missense changes on protein structure and function (PolyPhen-2) suggests that this variant is likely to be tolerated. In summary, the available evidence is currently insufficient to determine the role of this variant in disease. Therefore, it has been classified as a Variant of Uncertain Significance.